The following is an entry in ClinVar:

ClinVar aggregate classification (germline): Uncertain significance. Review status: criteria provided, multiple submitters, no conflicts (2 of 4 stars). 2 submissions from 2 submitters: Uncertain significance (2). Last evaluated 2024-06-03.

gnomAD v4.1: 3 of 1,597,012 alleles (0.00019%); highest among the groups gnomAD compares: Non-Finnish European, 0.00026%; no homozygotes.

Submissions (2):

Labcorp Genetics (formerly Invitae), Labcorp
Classification: Uncertain significance. Last evaluated: 2024-06-03. Review status: criteria provided, single submitter. Criteria: Invitae Variant Classification Sherloc (09022015). Collection method: clinical testing. Allele origin: germline.
Comment: This sequence change replaces proline, which is neutral and non-polar, with alanine, which is neutral and non-polar, at codon 554 of the ZMIZ1 protein (p.Pro554Ala). This variant is not present in population databases (gnomAD no frequency). This variant has not been reported in the literature in individuals affected with ZMIZ1-related conditions. Advanced modeling of protein sequence and biophysical properties (such as structural, functional, and spatial information, amino acid conservation, physicochemical variation, residue mobility, and thermodynamic stability) performed at Invitae indicates that this missense variant is not expected to disrupt ZMIZ1 protein function with a negative predictive value of 80%. In summary, the available evidence is currently insufficient to determine the role of this variant in disease. Therefore, it has been classified as a Variant of Uncertain Significance.

Blueprint Genetics
Classification: Uncertain significance. Last evaluated: 2024-04-02. Review status: criteria provided, single submitter. Criteria: ACMG Guidelines, 2015. Collection method: clinical testing. Allele origin: germline.

NM_020338.4(ZMIZ1):c.1660C>G (p.Pro554Ala)

Gene: ZMIZ1 (zinc finger MIZ-type containing 1; plus strand). Cytogenetic location: 10q22.3.
Variant type: single nucleotide variant.
Coding change: c.1660C>G on transcript NM_020338.4 (MANE Select); coding-DNA position 1660, C replaced by G.
Protein change: p.Pro554Ala; replaces proline 554 with alanine.
Molecular consequence: missense variant.
Genome position (GRCh38, 1-based): chr10:79,298,574, C>G. VCF-style: chr10-79298574-C-G. GRCh37 (hg19) VCF-style: chr10-81058331-C-G.
Other names: short protein forms P554A.
Identifiers: ClinVar variation 3700416 (VCV003700416.3).